The following is an entry in ClinVar:

ClinVar aggregate classification (germline): Uncertain significance (1 of 4 stars; one submission).

gnomAD v4.1: 1 of 1,613,914 alleles (0.000062%); highest among the groups gnomAD compares: Non-Finnish European, 0.000085%; no homozygotes.

Submission:

Labcorp Genetics (formerly Invitae), Labcorp
Classification: Uncertain significance. Last evaluated: 2022-03-07. Review status: criteria provided, single submitter. Criteria: Invitae Variant Classification Sherloc (09022015). Collection method: clinical testing. Allele origin: germline.
Comment: In summary, the available evidence is currently insufficient to determine the role of this variant in disease. Therefore, it has been classified as a Variant of Uncertain Significance. Algorithms developed to predict the effect of missense changes on protein structure and function (SIFT, PolyPhen-2, Align-GVGD) all suggest that this variant is likely to be disruptive. This variant has not been reported in the literature in individuals affected with NBAS-related conditions. This variant is not present in population databases (gnomAD no frequency). This sequence change replaces isoleucine, which is neutral and non-polar, with threonine, which is neutral and polar, at codon 578 of the NBAS protein (p.Ile578Thr).

NM_015909.4(NBAS):c.1733T>C (p.Ile578Thr)

Gene: NBAS (NBAS subunit of NRZ tethering complex; minus strand). Cytogenetic location: 2p24.3.
Variant type: single nucleotide variant.
Coding change: c.1733T>C on transcript NM_015909.4 (MANE Select); coding-DNA position 1733, T replaced by C.
Protein change: p.Ile578Thr; replaces isoleucine 578 with threonine.
Molecular consequence: missense variant. On other transcripts: non-coding transcript variant (1).
Genome position (GRCh38, 1-based): chr2:15,468,526, A>G on the plus strand (T>C on the coding strand, the complement: NBAS is on the minus strand). VCF-style: chr2-15468526-A-G. GRCh37 (hg19) VCF-style: chr2-15608650-A-G.
Other names: short protein forms I578T.
Identifiers: ClinVar variation 1480080 (VCV001480080.6), dbSNP rs2148574542, ClinGen allele CA345885122.